The following is an entry in ClinVar:

NM_002295.6(RPSA):c.133+8A>G

Gene: RPSA (ribosomal protein SA; plus strand). Cytogenetic location: 3p22.1.
Variant type: single nucleotide variant.
Coding change: c.133+8A>G on transcript NM_002295.6 (MANE Select); 8 bases into the intron after coding-DNA position 133, A replaced by G.
Molecular consequence: intron variant.
Genome position (GRCh38, 1-based): chr3:39,407,794, A>G. VCF-style: chr3-39407794-A-G. GRCh37 (hg19) VCF-style: chr3-39449285-A-G.
Other names: c.133+8A>G (NM_001304288.2).
Identifiers: ClinVar variation 2993356 (VCV002993356.4), dbSNP rs776972489, ClinGen allele CA73044243.

ClinVar aggregate classification (germline): Conflicting classifications of pathogenicity. Review status: criteria provided, conflicting classifications (1 of 4 stars). 2 submissions from 2 submitters: Uncertain significance (1); Likely benign (1). Last evaluated 2025-11-19.

Allele frequency attached by ClinVar (database versions not stated): gnomAD exomes below 0.00001; gnomAD 0.00001; TOPMed 0.00002.
gnomAD v4.1: 10 of 1,597,306 alleles (0.00063%); highest among the groups gnomAD compares: Non-Finnish European, 0.00068%; no homozygotes.

Submissions (2):

Labcorp Genetics (formerly Invitae), Labcorp
Classification: Uncertain significance. Last evaluated: 2025-11-19. Review status: criteria provided, single submitter. Criteria: Invitae Variant Classification Sherloc (09022015). Collection method: clinical testing. Allele origin: germline.
Comment: This sequence change falls in intron 2 of the RPSA gene. It does not directly change the encoded amino acid sequence of the RPSA protein. This variant is present in population databases (rs776972489, gnomAD 0.0008%). This variant has not been reported in the literature in individuals affected with RPSA-related conditions. ClinVar contains an entry for this variant (Variation ID: 2993356). Algorithms developed to predict the effect of sequence changes on RNA splicing suggest that this variant may create or strengthen a splice site. In summary, the available evidence is currently insufficient to determine the role of this variant in disease. Therefore, it has been classified as a Variant of Uncertain Significance.

Blueprint Genetics
Classification: Likely benign. Last evaluated: 2020-09-29. Review status: criteria provided, single submitter. Criteria: ACMG Guidelines, 2015. Collection method: clinical testing. Allele origin: germline.